The following is an entry in ClinVar:

ClinVar aggregate classification (germline): Uncertain significance (1 of 4 stars; one submission).

Conditions:
Hereditary cancer-predisposing syndrome. Also called: Neoplastic Syndromes, Hereditary; Tumor predisposition; Hereditary Cancer Syndrome; Hereditary neoplastic syndrome. Identifiers: Orphanet 140162, MedGen C0027672, MeSH D009386, MONDO:0015356.

Submission:

Ambry Genetics
Classification: Uncertain significance for Hereditary cancer-predisposing syndrome. Last evaluated: 2017-07-19. Review status: criteria provided, single submitter. Criteria: Ambry Variant Classification Scheme 2023. Collection method: clinical testing. Allele origin: germline.
Comment: The p.K1350T variant (also known as c.4049A>C), located in coding exon 20 of the DICER1 gene, results from an A to C substitution at nucleotide position 4049. The lysine at codon 1350 is replaced by threonine, an amino acid with similar properties. This amino acid position is highly conserved in available vertebrate species. In addition, this alteration is predicted to be deleterious by in silico analysis. Since supporting evidence is limited at this time, the clinical significance of this alteration remains unclear.

NM_177438.3(DICER1):c.4049A>C (p.Lys1350Thr)

Gene: DICER1 (dicer 1, ribonuclease III; minus strand). Cytogenetic location: 14q32.13.
Variant type: single nucleotide variant.
Coding change: c.4049A>C on transcript NM_177438.3 (MANE Select); coding-DNA position 4049, A replaced by C.
Protein change: p.Lys1350Thr; replaces lysine 1350 with threonine.
Molecular consequence: missense variant.
Genome position (GRCh38, 1-based): chr14:95,103,347, T>G on the plus strand (A>C on the coding strand, the complement: DICER1 is on the minus strand). VCF-style: chr14-95103347-T-G. GRCh37 (hg19) VCF-style: chr14-95569684-T-G.
Other names: c.4049A>C, p.Lys1350Thr (NM_001195573.1, NM_001271282.3, NM_001291628.2 and 1 more transcripts); short protein forms K1350T.
Identifiers: ClinVar variation 483453 (VCV000483453.5), dbSNP rs1555369270, ClinGen allele CA390872872.
Genomic context (GRCh38, chr14:95,103,347, plus strand): 5'-AAACCACTTTCAGGCACACTGAATAATTAACTGCTCAAAATAAAAAAATCATCTCTTACC[T>G]TTTTGCTTCTCATATATGAAAGGCGGCCCTCATGCGCATCAGGGTAAGTGCAAAATAGAT-3'
Protein context (NP_803187.1, residues 1340-1360): EGRLSYMRSK[Lys1350Thr]VSNCNLYRLG